The following is an entry in ClinVar:

ClinVar aggregate classification (germline): Likely benign (0 of 4 stars; one submission).

Conditions:
EP400-related disorder. Also called: EP400-related condition.

Allele frequency attached by ClinVar (database versions not stated): gnomAD 0.00001; ExAC 0.00002; TOPMed 0.00002; gnomAD exomes 0.00003.
gnomAD v4.1: 38 of 1,613,914 alleles (0.0024%); highest among the groups gnomAD compares: South Asian, 0.0099%; no homozygotes.

Submission:

PreventionGenetics, part of Exact Sciences
Classification: Likely benign for EP400-related condition. Last evaluated: 2019-06-19. Review status: no assertion criteria provided. Collection method: clinical testing. Allele origin: germline.
Comment: This variant is classified as likely benign based on ACMG/AMP sequence variant interpretation guidelines (Richards et al. 2015 PMID: 25741868, with internal and published modifications).

NM_015409.5(EP400):c.2028C>T (p.Ser676=)

Gene: EP400 (E1A binding protein p400; plus strand). Cytogenetic location: 12q24.33.
Variant type: single nucleotide variant.
Coding change: c.2028C>T on transcript NM_015409.5 (MANE Select); coding-DNA position 2028, C replaced by T.
Protein change: p.Ser676=; no amino-acid change (serine 676 retained).
Molecular consequence: synonymous variant.
Genome position (GRCh38, 1-based): chr12:131,986,612, C>T. VCF-style: chr12-131986612-C-T. GRCh37 (hg19) VCF-style: chr12-132471157-C-T.
Identifiers: ClinVar variation 3043343 (VCV003043343.2), dbSNP rs749287900, ClinGen allele CA6884926.